The following is an entry in ClinVar:

NM_001042492.3(NF1):c.4711G>T (p.Glu1571Ter)

Gene: NF1 (neurofibromin 1; plus strand). Cytogenetic location: 17q11.2.
Variant type: single nucleotide variant.
Coding change: c.4711G>T on transcript NM_001042492.3 (MANE Select); coding-DNA position 4711, G replaced by T.
Protein change: p.Glu1571Ter; replaces glutamic acid 1571 with a stop codon.
Molecular consequence: nonsense.
Genome position (GRCh38, 1-based): chr17:31,261,844, G>T. VCF-style: chr17-31261844-G-T. GRCh37 (hg19) VCF-style: chr17-29588862-G-T.
Other names: c.4648G>T, p.Glu1550Ter (NM_000267.4); short protein forms E1550*, E1571*.
Identifiers: ClinVar variation 575667 (VCV000575667.5), dbSNP rs1567863648, ClinGen allele CA399000629.

ClinVar aggregate classification (germline): Pathogenic (1 of 4 stars; one submission).

Conditions:
Neurofibromatosis, type 1 (NF1). Also called: Peripheral type neurofibromatosis; Neurofibromatosis, type I; VON RECKLINGHAUSEN DISEASE; NEUROFIBROMATOSIS, TYPE I, SOMATIC. Identifiers: Orphanet 636, MedGen C0027831, MONDO:0018975, OMIM 162200. Disease mechanism: loss of function.

Submission:

Labcorp Genetics (formerly Invitae), Labcorp
Classification: Pathogenic for Neurofibromatosis, type 1. Last evaluated: 2018-04-01. Review status: criteria provided, single submitter. Criteria: Invitae Variant Classification Sherloc (09022015). Collection method: clinical testing. Allele origin: germline.
Comment: Loss-of-function variants in NF1 are known to be pathogenic (PMID: 10712197, 23913538). For these reasons, this variant has been classified as Pathogenic. This variant has not been reported in the literature in individuals with NF1-related disease. This sequence change creates a premature translational stop signal (p.Glu1550*) in the NF1 gene. It is expected to result in an absent or disrupted protein product. This variant is not present in population databases (ExAC no frequency).

Literature cited by the submitters: PubMed 10712197; PubMed 23913538.